The following is an entry in ClinVar:

NM_001384272.1(HCRTR2):c.577T>A (p.Cys193Ser)

Gene: HCRTR2 (hypocretin receptor 2; plus strand). Cytogenetic location: 6p12.1.
Variant type: single nucleotide variant.
Coding change: c.577T>A on transcript NM_001384272.1 (MANE Select); coding-DNA position 577, T replaced by A.
Protein change: p.Cys193Ser; replaces cysteine 193 with serine.
Molecular consequence: missense variant.
Genome position (GRCh38, 1-based): chr6:55,255,310, T>A. VCF-style: chr6-55255310-T-A. GRCh37 (hg19) VCF-style: chr6-55120108-T-A.
Other names: c.577T>A, p.Cys193Ser (NM_001526.5); short protein forms C193S.
Identifiers: ClinVar variation 3042350 (VCV003042350.2), dbSNP rs41381449, ClinGen allele CA3863500.
Genomic context (GRCh38, chr6:55,255,310, plus strand): 5'-ATTGTCATCATCTGGATTGTCTCCTGCATTATAATGATTCCTCAGGCCATCGTCATGGAG[T>A]GCAGCACCGTGTTCCCAGGCTTAGCCAATAAAACCACCCTCTTTACGGTGTGTGATGAGC-3'
Protein context (NP_001371201.1, residues 183-203): IMIPQAIVME[Cys193Ser]STVFPGLANK

ClinVar aggregate classification (germline): Likely benign (0 of 4 stars; one submission).

Conditions:
HCRTR2-related disorder. Also called: HCRTR2-related condition.

Allele frequency attached by ClinVar (database versions not stated): 1000 Genomes Project 30x 0.00078; 1000 Genomes Project 0.00080; gnomAD 0.00145; TOPMed 0.00149; gnomAD exomes 0.00175; ExAC 0.00176; ESP Exome Variant Server 0.00215.
gnomAD v4.1: 2,786 of 1,614,004 alleles (0.17%); highest among the groups gnomAD compares: Middle Eastern, 0.97%; 6 homozygotes.

Submission:

PreventionGenetics, part of Exact Sciences
Classification: Likely benign for HCRTR2-related condition. Last evaluated: 2022-12-21. Review status: no assertion criteria provided. Collection method: clinical testing. Allele origin: germline.
Comment: This variant is classified as likely benign based on ACMG/AMP sequence variant interpretation guidelines (Richards et al. 2015 PMID: 25741868, with internal and published modifications).